The following is an entry in ClinVar:

ClinVar aggregate classification (germline): Uncertain significance (1 of 4 stars; one submission).

Conditions:
Familial thoracic aortic aneurysm and aortic dissection (TAAD). Also called: Thoracic aortic aneurysms and dissections. Identifiers: Orphanet 91387, MedGen C4707243, MONDO:0019625.

Allele frequency attached by ClinVar (database versions not stated): gnomAD exomes below 0.00001.
gnomAD v4.1: 1 of 1,613,616 alleles (0.000062%); highest among the groups gnomAD compares: Non-Finnish European, 0.000085%; no homozygotes.

Submission:

Color Diagnostics, LLC DBA Color Health
Classification: Uncertain significance for Familial thoracic aortic aneurysm and aortic dissection. Last evaluated: 2023-12-05. Review status: criteria provided, single submitter. Criteria: ACMG Guidelines, 2015. Collection method: clinical testing. Allele origin: germline.
Comment: Variant of Uncertain Significance due to insufficient evidence: This missense variant replaces leucine with phenylalanine at codon 1889 of the MYH11 protein. Computational prediction tools and conservation analyses suggest that this variant may have deleterious impact on the protein function. Computational splicing tools suggest that this variant may not impact RNA splicing. To our knowledge, functional assays have not been performed for this variant nor has this variant been reported in individuals affected with cardiovascular disorders in the literature. This variant is rare in the general population and has been identified in 0/277264 chromosomes by the Genome Aggregation Database (gnomAD). Available evidence is insufficient to determine the role of this variant in disease conclusively.

NM_002474.3(MYH11):c.5644C>T (p.Leu1882Phe)

Genes: NDE1 (nudE neurodevelopment protein 1; plus strand), MYH11 (myosin heavy chain 11; minus strand). Cytogenetic location: 16p13.11.
Variant type: single nucleotide variant.
Coding change: c.5644C>T on transcript NM_002474.3 (MANE Select); coding-DNA position 5644, C replaced by T.
Protein change: p.Leu1882Phe; replaces leucine 1882 with phenylalanine.
Molecular consequence: missense variant. On other transcripts: intron variant (2).
Genome position (GRCh38, 1-based): chr16:15,715,051, G>A on the plus strand (C>T on the coding strand, the complement: MYH11 is on the minus strand). VCF-style: chr16-15715051-G-A. GRCh37 (hg19) VCF-style: chr16-15808908-G-A.
Other names: c.5665C>T, p.Leu1889Phe (NM_001040113.2, NM_001040114.2); c.5644C>T, p.Leu1882Phe (NM_022844.3); c.948-9140G>A (NM_001143979.2, NM_017668.3); short protein forms L1882F, L1889F.
Identifiers: ClinVar variation 926419 (VCV000926419.5), dbSNP rs2040044275, ClinGen allele CA394847022.